The following is an entry in ClinVar:

NM_001754.5(RUNX1):c.196G>A (p.Ala66Thr)

Gene: RUNX1 (RUNX family transcription factor 1; minus strand). Cytogenetic location: 21q22.12.
Variant type: single nucleotide variant.
Coding change: c.196G>A on transcript NM_001754.5 (MANE Select); coding-DNA position 196, G replaced by A.
Protein change: p.Ala66Thr; replaces alanine 66 with threonine.
Molecular consequence: missense variant.
Genome position (GRCh38, 1-based): chr21:34,886,998, C>T on the plus strand (G>A on the coding strand, the complement: RUNX1 is on the minus strand). VCF-style: chr21-34886998-C-T. GRCh37 (hg19) VCF-style: chr21-36259295-C-T.
Other names: NM_001754.5(RUNX1):c.196G>A; p.Ala66Thr; c.115G>A, p.Ala39Thr (NM_001001890.3, NM_001122607.2); short protein forms A66T, A39T.
Identifiers: ClinVar variation 2912549 (VCV002912549.5), dbSNP rs2146412428, ClinGen allele CA410203944.
Genomic context (GRCh38, chr21:34,886,998, plus strand): 5'-GGTGGTCGGCCAGCACCTCCACCATGCTGCGGTCGCCGCTCCTCAGCTTGCCGGCCAGGG[C>T]AGCGCCGGCGTCCGGGGCGCCCAGCGGCAACGCCTCGCTCATCTTGCCTGGGCTCAGCGC-3'
Protein context (NP_001745.2, residues 56-76): LPLGAPDAGA[Ala66Thr]LAGKLRSGDR

ClinVar aggregate classification (germline): Uncertain significance. Review status: reviewed by expert panel (3 of 4 stars). 3 submissions from 3 submitters: Uncertain significance (1). 2 of the submissions do not count toward it. Last evaluated 2025-01-15.

Conditions:
Hereditary thrombocytopenia and hematological cancer predisposition syndrome associated with RUNX1. Also called: RUNX1 Familial Platelet Disorder with Associated Myeloid Malignancies; Familial Platelet Disorder with Propensity to Acute Myelogenous Leukemia; Familial thrombocytopenia with propensity to acute myelogenous leukemia; PLATELET DISORDER, ASPIRIN-LIKE. Identifiers: Orphanet 71290, MedGen C1832388, MeSH C563324, MONDO:0100083, OMIM 601399.
Hereditary thrombocytopenia and hematologic cancer predisposition syndrome. Identifiers: Orphanet 71290, MedGen CN281654, MONDO:0011071.
Inborn genetic diseases. Identifiers: MedGen C0950123, MeSH D030342.

Allele frequency attached by ClinVar (database versions not stated): gnomAD exomes below 0.00001.
gnomAD v4.1: 1 of 1,604,856 alleles (0.000062%); highest among the groups gnomAD compares: Non-Finnish European, 0.000085%; no homozygotes.

Submissions (3):

ClinGen Myeloid Malignancy Variant Curation Expert Panel
Classification: Uncertain significance for Hereditary thrombocytopenia and hematologic cancer predisposition syndrome. Last evaluated: 2025-01-15. Review status: reviewed by expert panel. Criteria: ClinGen MyeloMalig ACMG Specifications v2. Collection method: curation. Allele origin: germline. Inheritance: Autosomal dominant inheritance.
Comment: NM_001754.5(RUNX1):c.196G>A (p.Ala66Thr) is a missense variant which has a REVEL score < 0.50 (0.451), and a SpliceAI score ≤ 0.20 (0.0) (BP4). This variant is completely absent from all population databases with at least 20x coverage for RUNX1 (PM2_Supporting). In summary, the clinical significance of this variant is uncertain. ACMG/AMP criteria applied, as specified by the Myeloid Malignancy Variant Curation Expert Panel for RUNX1: BP4, PM2_supporting.

Ambry Genetics
Classification: Uncertain significance for Inborn genetic diseases. Last evaluated: 2026-03-14. Review status: criteria provided, single submitter. Criteria: Ambry Variant Classification Scheme 2023. Collection method: clinical testing. Allele origin: germline. Not counted in ClinVar's aggregate classification.
Comment: The p.A66T variant (also known as c.196G>A), located in coding exon 3 of the RUNX1 gene, results from a G to A substitution at nucleotide position 196. The alanine at codon 66 is replaced by threonine, an amino acid with similar properties. This amino acid position is conserved. In addition, the in silico prediction for this alteration is inconclusive. Based on the available evidence, the clinical significance of this variant remains unclear.

Labcorp Genetics (formerly Invitae), Labcorp
Classification: Uncertain significance for Hereditary thrombocytopenia and hematological cancer predisposition syndrome associated with RUNX1. Last evaluated: 2023-05-30. Review status: criteria provided, single submitter. Criteria: Invitae Variant Classification Sherloc (09022015). Collection method: clinical testing. Allele origin: germline. Not counted in ClinVar's aggregate classification.
Comment: In summary, the available evidence is currently insufficient to determine the role of this variant in disease. Therefore, it has been classified as a Variant of Uncertain Significance. Advanced modeling of protein sequence and biophysical properties (such as structural, functional, and spatial information, amino acid conservation, physicochemical variation, residue mobility, and thermodynamic stability) has been performed at Invitae for this missense variant, however the output from this modeling did not meet the statistical confidence thresholds required to predict the impact of this variant on RUNX1 protein function. This variant has not been reported in the literature in individuals affected with RUNX1-related conditions. This variant is not present in population databases (gnomAD no frequency). This sequence change replaces alanine, which is neutral and non-polar, with threonine, which is neutral and polar, at codon 66 of the RUNX1 protein (p.Ala66Thr).